The following is an entry in ClinVar:

ClinVar aggregate classification (germline): Uncertain significance (1 of 4 stars; one submission).

Conditions:
Charcot-Marie-Tooth disease dominant intermediate B (CMTDIB). Also called: Charcot-Marie-Tooth disease dominant intermediate 1; CMT DI1; Charcot-Marie-Tooth disease dominant intermediate I; CHARCOT-MARIE-TOOTH NEUROPATHY, DOMINANT INTERMEDIATE B. Identifiers: Orphanet 100044, Orphanet 228179, MedGen C1847902, MONDO:0011674, OMIM 606482.

Allele frequency attached by ClinVar (database versions not stated): TOPMed below 0.00001; ExAC 0.00002; 1000 Genomes Project 30x 0.00016; 1000 Genomes Project 0.00020.
gnomAD v4.1: 10 of 1,613,840 alleles (0.00062%); highest among the groups gnomAD compares: East Asian, 0.0022%; no homozygotes.

Submission:

Labcorp Genetics (formerly Invitae), Labcorp
Classification: Uncertain significance for Charcot-Marie-Tooth disease dominant intermediate B. Last evaluated: 2025-09-05. Review status: criteria provided, single submitter. Criteria: Invitae Variant Classification Sherloc (09022015). Collection method: clinical testing. Allele origin: germline.
Comment: This sequence change replaces arginine, which is basic and polar, with tryptophan, which is neutral and slightly polar, at codon 266 of the DNM2 protein (p.Arg266Trp). This variant is present in population databases (rs552366130, gnomAD 0.006%). This missense change has been observed in individual(s) with inherited peripheral neuropathy (PMID: 27549087). ClinVar contains an entry for this variant (Variation ID: 958289). Invitae Evidence Modeling of protein sequence and biophysical properties (such as structural, functional, and spatial information, amino acid conservation, physicochemical variation, residue mobility, and thermodynamic stability) indicates that this missense variant is expected to disrupt DNM2 protein function with a positive predictive value of 80%. In summary, the available evidence is currently insufficient to determine the role of this variant in disease. Therefore, it has been classified as a Variant of Uncertain Significance.

Literature cited by the submitters: PubMed 27549087.

NM_001005361.3(DNM2):c.796C>T (p.Arg266Trp)

Gene: DNM2 (dynamin 2; plus strand). Cytogenetic location: 19p13.2.
Variant type: single nucleotide variant.
Coding change: c.796C>T on transcript NM_001005361.3 (MANE Select); coding-DNA position 796, C replaced by T.
Protein change: p.Arg266Trp; replaces arginine 266 with tryptophan.
Molecular consequence: missense variant.
Genome position (GRCh38, 1-based): chr19:10,783,067, C>T. VCF-style: chr19-10783067-C-T. GRCh37 (hg19) VCF-style: chr19-10893743-C-T.
Other names: c.796C>T, p.Arg266Trp (NM_001005360.3, NM_001005362.3, NM_001190716.2 and 1 more transcripts); short protein forms R266W.
Identifiers: ClinVar variation 958289 (VCV000958289.10), dbSNP rs552366130, ClinGen allele CA9200889.